The following is an entry in ClinVar:

ClinVar aggregate classification (germline): Uncertain significance (1 of 4 stars; one submission).

Conditions:
Fabry disease. Also called: ALPHA-GALACTOSIDASE A DEFICIENCY; ANDERSON-FABRY DISEASE; CERAMIDE TRIHEXOSIDASE DEFICIENCY; GLA DEFICIENCY; HEREDITARY DYSTOPIC LIPIDOSIS; Angiokeratoma corporis diffusum. Identifiers: Orphanet 324, MedGen C0002986, MONDO:0010526, OMIM 301500, HP:0001071. Disease mechanism: Fabry disease is due to inactivating mutations in the X-linked GLA gene resulting in deficiency of the enzyme Alpha Galactosidase-A., loss of function.

Submission:

Genomenon, Inc
Classification: Uncertain significance for Fabry disease. Last evaluated: 2026-09-08. Review status: criteria provided, single submitter. Criteria: Genomenon Sequence Variant Interpretation Standards - Updated. Collection method: curation. Allele origin: germline. Affected: no.
Comment: GLA c.-40G>C is a variant located in the 5′ untranslated region (5′ UTR). This variant has been reported in the published literature (PMID:26866599). It is absent or not present at a significant frequency in gnomAD. In conclusion, we classify GLA c.-40G>C as a variant of uncertain significance.

Literature cited by the submitters: PubMed 26866599.

NM_000169.3(GLA):c.-40G>C

Genes: GLA (galactosidase alpha; minus strand), RPL36A-HNRNPH2 (RPL36A-HNRNPH2 readthrough; plus strand). Cytogenetic location: Xq22.1.
Variant type: single nucleotide variant.
Coding change: c.-40G>C on transcript NM_000169.3 (MANE Select); 40 bases upstream of the start codon, G replaced by C.
Molecular consequence: intron variant (on NM_001199973.2).
Genome position (GRCh38, 1-based): chrX:101,407,943, C>G on the plus strand (G>C on the coding strand, the complement: GLA is on the minus strand). VCF-style: chrX-101407943-C-G. GRCh37 (hg19) VCF-style: chrX-100662931-C-G.
Other names: c.301-3993C>G (NM_001199973.2); c.178-3993C>G (NM_001199974.2).
Identifiers: ClinVar variation 4087100 (VCV004087100.2), dbSNP rs782048102.